The following is an entry in ClinVar:

NM_001303256.3(MORC2):c.432A>G (p.Ile144Met)

Gene: MORC2 (MORC family CW-type zinc finger 2; minus strand). Cytogenetic location: 22q12.2.
Variant type: single nucleotide variant.
Coding change: c.432A>G on transcript NM_001303256.3 (MANE Select); coding-DNA position 432, A replaced by G.
Protein change: p.Ile144Met; replaces isoleucine 144 with methionine.
Molecular consequence: missense variant.
Genome position (GRCh38, 1-based): chr22:30,942,266, T>C on the plus strand (A>G on the coding strand, the complement: MORC2 is on the minus strand). VCF-style: chr22-30942266-T-C. GRCh37 (hg19) VCF-style: chr22-31338253-T-C.
Other names: c.432A>G, p.Ile144Met (NM_001303257.2); c.246A>G, p.Ile82Met (NM_014941.3); short protein forms I144M, I82M.
Identifiers: ClinVar variation 3901669 (VCV003901669.1).
Genomic context (GRCh38, chr22:30,942,266, plus strand): 5'-TTTCTCTACATTGTCTGTGACAGGTTCCCGGGTCCGAGCATTCCAGGTGGGCAGTGGGAC[T>C]ATCACCTGTGGAGTAAACATGAGCAGGCACTTTAAGGGAAGCCCCAGAACAGCCTTCCTC-3'
Protein context (NP_001290185.1, residues 134-154): FHEEEGIDEV[Ile144Met]VPLPTWNART

ClinVar aggregate classification (germline): Uncertain significance (1 of 4 stars; one submission).

Submission:

GeneDx
Classification: Uncertain significance. Last evaluated: 2024-12-09. Review status: criteria provided, single submitter. Criteria: GeneDx Variant Classification Process June 2021. Collection method: clinical testing. Allele origin: germline. Affected: yes.
Comment: Not observed at significant frequency in large population cohorts (gnomAD); In silico analysis indicates that this missense variant does not alter protein structure/function; Has not been previously published as pathogenic or benign to our knowledge